The following is an entry in ClinVar:

ClinVar aggregate classification (germline): Uncertain significance (1 of 4 stars; one submission).

Conditions:
Chédiak-Higashi syndrome (CHS). Also called: Chediak-Higashi Syndrome. Identifiers: Orphanet 167, MedGen C0007965, MONDO:0008963, OMIM 214500.

Submission:

Labcorp Genetics (formerly Invitae), Labcorp
Classification: Uncertain significance for Chédiak-Higashi syndrome. Last evaluated: 2024-06-03. Review status: criteria provided, single submitter. Criteria: Invitae Variant Classification Sherloc (09022015). Collection method: clinical testing. Allele origin: germline.
Comment: This sequence change replaces valine, which is neutral and non-polar, with leucine, which is neutral and non-polar, at codon 950 of the LYST protein (p.Val950Leu). This variant is not present in population databases (gnomAD no frequency). This variant has not been reported in the literature in individuals affected with LYST-related conditions. ClinVar contains an entry for this variant (Variation ID: 1506936). Advanced modeling of protein sequence and biophysical properties (such as structural, functional, and spatial information, amino acid conservation, physicochemical variation, residue mobility, and thermodynamic stability) performed at Invitae indicates that this missense variant is not expected to disrupt LYST protein function with a negative predictive value of 80%. In summary, the available evidence is currently insufficient to determine the role of this variant in disease. Therefore, it has been classified as a Variant of Uncertain Significance.

NM_000081.4(LYST):c.2848G>C (p.Val950Leu)

Gene: LYST (lysosomal trafficking regulator; minus strand). Cytogenetic location: 1q42.3.
Variant type: single nucleotide variant.
Coding change: c.2848G>C on transcript NM_000081.4 (MANE Select); coding-DNA position 2848, G replaced by C.
Protein change: p.Val950Leu; replaces valine 950 with leucine.
Molecular consequence: missense variant.
Genome position (GRCh38, 1-based): chr1:235,806,288, C>G on the plus strand (G>C on the coding strand, the complement: LYST is on the minus strand). VCF-style: chr1-235806288-C-G. GRCh37 (hg19) VCF-style: chr1-235969588-C-G.
Other names: c.2848G>C, p.Val950Leu (NM_001301365.1); short protein forms V950L.
Identifiers: ClinVar variation 1506936 (VCV001506936.7), dbSNP rs2527078388, ClinGen allele CA344955005.